The following is an entry in ClinVar:

NM_013382.7(POMT2):c.1927G>A (p.Val643Ile)

Gene: POMT2 (protein O-mannosyltransferase 2; minus strand). Cytogenetic location: 14q24.3.
Variant type: single nucleotide variant.
Coding change: c.1927G>A on transcript NM_013382.7 (MANE Select); coding-DNA position 1927, G replaced by A.
Protein change: p.Val643Ile; replaces valine 643 with isoleucine.
Molecular consequence: missense variant.
Genome position (GRCh38, 1-based): chr14:77,278,834, C>T on the plus strand (G>A on the coding strand, the complement: POMT2 is on the minus strand). VCF-style: chr14-77278834-C-T. GRCh37 (hg19) VCF-style: chr14-77745177-C-T.
Other names: short protein forms V643I.
Identifiers: ClinVar variation 2099473 (VCV002099473.4), dbSNP rs966965226, ClinGen allele CA390514145.
Genomic context (GRCh38, chr14:77,278,834, plus strand): 5'-AGTAGAGGACCCGGCCCATCAGGAAAAACGGGAAGTAATGGAGTGTCCAGCCGAGCAGGA[C>T]CTGGCCGCCTCCTCGAAGCAGGACCTGGGACAACCCTGGGCCCAAGCAGCACAGCCCAGT-3'
Protein context (NP_037514.2, residues 633-653): SQVLLRGGGQ[Val643Ile]LLGWTLHYFP

ClinVar aggregate classification (germline): Uncertain significance (1 of 4 stars; one submission).

Conditions:
Muscular dystrophy-dystroglycanopathy (congenital with brain and eye anomalies), type A2. Also called: MUSCULAR DYSTROPHY-DYSTROGLYCANOPATHY (CONGENITAL WITH BRAIN AND EYE ANOMALIES), TYPE A, 2; WALKER-WARBURG SYNDROME OR MUSCLE-EYE-BRAIN DISEASE, POMT2-RELATED. Identifiers: Orphanet 588, Orphanet 899, MedGen C3150411, MONDO:0013154, OMIM 613150.
Autosomal recessive limb-girdle muscular dystrophy type 2N. Also called: MUSCULAR DYSTROPHY-DYSTROGLYCANOPATHY, LIMB-GIRDLE, POMT2-RELATED; Muscular dystrophy-dystroglycanopathy (limb-girdle), type C, 2. Identifiers: Orphanet 206559, MedGen C3150418, MONDO:0013162, OMIM 613158.
Muscular dystrophy-dystroglycanopathy (congenital with impaired intellectual development), type B, 2. Also called: Muscular dystrophy-dystroglycanopathy (congenital with intellectual disability), type B2; MUSCULAR DYSTROPHY, CONGENITAL, POMT2-RELATED. Identifiers: MedGen C3150416, MONDO:0013160, OMIM 613156.

gnomAD v4.1: 1 of 1,613,538 alleles (0.000062%); highest among the groups gnomAD compares: Non-Finnish European, 0.000085%; no homozygotes.

Submission:

Labcorp Genetics (formerly Invitae), Labcorp
Classification: Uncertain significance for Muscular dystrophy-dystroglycanopathy (congenital with impaired intellectual development), type B, 2; Muscular dystrophy-dystroglycanopathy (congenital with brain and eye anomalies), type A2; Autosomal recessive limb-girdle muscular dystrophy type 2N. Last evaluated: 2023-08-10. Review status: criteria provided, single submitter. Criteria: Invitae Variant Classification Sherloc (09022015). Collection method: clinical testing. Allele origin: germline.
Comment: This sequence change replaces valine, which is neutral and non-polar, with isoleucine, which is neutral and non-polar, at codon 643 of the POMT2 protein (p.Val643Ile). This variant is not present in population databases (gnomAD no frequency). This variant has not been reported in the literature in individuals affected with POMT2-related conditions. ClinVar contains an entry for this variant (Variation ID: 2099473). Advanced modeling of protein sequence and biophysical properties (such as structural, functional, and spatial information, amino acid conservation, physicochemical variation, residue mobility, and thermodynamic stability) performed at Invitae indicates that this missense variant is not expected to disrupt POMT2 protein function. In summary, the available evidence is currently insufficient to determine the role of this variant in disease. Therefore, it has been classified as a Variant of Uncertain Significance.